The following is an entry in ClinVar:

ClinVar aggregate classification (germline): Uncertain significance (1 of 4 stars; one submission).

gnomAD v4.1: 22 of 1,610,536 alleles (0.0014%); highest among the groups gnomAD compares: East Asian, 0.0067%; no homozygotes.

Submission:

Labcorp Genetics (formerly Invitae), Labcorp
Classification: Uncertain significance. Last evaluated: 2025-08-26. Review status: criteria provided, single submitter. Criteria: Invitae Variant Classification Sherloc (09022015). Collection method: clinical testing. Allele origin: germline.
Comment: This sequence change replaces glycine, which is neutral and non-polar, with valine, which is neutral and non-polar, at codon 1353 of the SLIT2 protein (p.Gly1353Val). This variant is present in population databases (rs146014124, gnomAD 0.02%). This variant has not been reported in the literature in individuals affected with SLIT2-related conditions. An algorithm developed to predict the effect of missense changes on protein structure and function (PolyPhen-2) suggests that this variant is likely to be disruptive. In summary, the available evidence is currently insufficient to determine the role of this variant in disease. Therefore, it has been classified as a Variant of Uncertain Significance.

NM_004787.4(SLIT2):c.4058G>T (p.Gly1353Val)

Gene: SLIT2 (slit guidance ligand 2; plus strand). Cytogenetic location: 4p15.31.
Variant type: single nucleotide variant.
Coding change: c.4058G>T on transcript NM_004787.4 (MANE Select); coding-DNA position 4058, G replaced by T.
Protein change: p.Gly1353Val; replaces glycine 1353 with valine.
Molecular consequence: missense variant.
Genome position (GRCh38, 1-based): chr4:20,617,120, G>T. VCF-style: chr4-20617120-G-T. GRCh37 (hg19) VCF-style: chr4-20618743-G-T.
Other names: c.4046G>T, p.Gly1349Val (NM_001289135.3); c.4034G>T, p.Gly1345Val (NM_001289136.3); short protein forms G1353V, G1345V, G1349V.
Identifiers: ClinVar variation 4690935 (VCV004690935.1).